The following is an entry in ClinVar:

ClinVar aggregate classification (germline): Uncertain significance (1 of 4 stars; one submission).

Conditions:
CHD6-related disorder.

Submission:

3billion
Classification: Uncertain significance for CHD6-related disorder. Last evaluated: 2025-06-12. Review status: criteria provided, single submitter. Criteria: ACMG Guidelines, 2015. Collection method: clinical testing. Allele origin: germline. Affected: yes.
Comment: The variant is not observed in the gnomAD v4.1.0 dataset. Predicted Consequence/Location: Missense variant. In silico tools predict the variant to alter splicing and produce an abnormal transcript [SpliceAI: 0.27 (>=0.2, moderate evidence for spliceogenicity)]. Therefore, this variant is classified as VUS according to the recommendation of ACMG/AMP guideline.

NM_032221.5(CHD6):c.1687C>G (p.Pro563Ala)

Gene: CHD6 (chromodomain helicase DNA binding protein 6; minus strand). Cytogenetic location: 20q12.
Variant type: single nucleotide variant.
Coding change: c.1687C>G on transcript NM_032221.5 (MANE Select); coding-DNA position 1687, C replaced by G.
Protein change: p.Pro563Ala; replaces proline 563 with alanine.
Molecular consequence: missense variant.
Genome position (GRCh38, 1-based): chr20:41,488,598, G>C on the plus strand (C>G on the coding strand, the complement: CHD6 is on the minus strand). VCF-style: chr20-41488598-G-C. GRCh37 (hg19) VCF-style: chr20-40117238-G-C.
Other names: short protein forms P563A.
Identifiers: ClinVar variation 4854499 (VCV004854499.1).